The following is an entry in ClinVar:

ClinVar aggregate classification (germline): Benign (0 of 4 stars; one submission).

Conditions:
PDZD2-related disorder. Also called: PDZD2-related condition.

Allele frequency attached by ClinVar (database versions not stated): 1000 Genomes Project 0.00679; 1000 Genomes Project 30x 0.00703; ESP Exome Variant Server 0.00715; TOPMed 0.00723; gnomAD 0.00864; ExAC 0.00943.
gnomAD v4.1: 13,752 of 1,614,178 alleles (0.85%); highest among the groups gnomAD compares: Middle Eastern, 4%; 95 homozygotes.

Submission:

PreventionGenetics, part of Exact Sciences
Classification: Benign for PDZD2-related condition. Last evaluated: 2019-07-10. Review status: no assertion criteria provided. Collection method: clinical testing. Allele origin: germline.
Comment: This variant is classified as benign based on ACMG/AMP sequence variant interpretation guidelines (Richards et al. 2015 PMID: 25741868, with internal and published modifications).

NM_178140.4(PDZD2):c.6268C>T (p.Leu2090=)

Gene: PDZD2 (PDZ domain containing 2; plus strand). Cytogenetic location: 5p13.3.
Variant type: single nucleotide variant.
Coding change: c.6268C>T on transcript NM_178140.4 (MANE Select); coding-DNA position 6268, C replaced by T.
Protein change: p.Leu2090=; no amino-acid change (leucine 2090 retained).
Molecular consequence: synonymous variant.
Genome position (GRCh38, 1-based): chr5:32,089,716, C>T. VCF-style: chr5-32089716-C-T. GRCh37 (hg19) VCF-style: chr5-32089822-C-T.
Identifiers: ClinVar variation 3038175 (VCV003038175.2), dbSNP rs114875003, ClinGen allele CA3220091.
Genomic context (GRCh38, chr5:32,089,716, plus strand): 5'-CCGACTGGCGAAAAAGGAGGCAACATAATGGCCAGCGATCGCCTCGAAAGAACAAACCAG[C>T]TGAAAATCGTGGAGATTTCTGCTGAAGCAGTGTCAGAGACTGTATGTGGTAACAAGCCAG-3'
Protein context (NP_835260.2, residues 2080-2100): ASDRLERTNQ[Leu2090=]KIVEISAEAV